The following is an entry in ClinVar:

NM_000875.5(IGF1R):c.1474G>A (p.Val492Ile)

Gene: IGF1R (insulin like growth factor 1 receptor; plus strand). Cytogenetic location: 15q26.3.
Variant type: single nucleotide variant.
Coding change: c.1474G>A on transcript NM_000875.5 (MANE Select); coding-DNA position 1474, G replaced by A.
Protein change: p.Val492Ile; replaces valine 492 with isoleucine.
Molecular consequence: missense variant.
Genome position (GRCh38, 1-based): chr15:98,911,326, G>A. VCF-style: chr15-98911326-G-A. GRCh37 (hg19) VCF-style: chr15-99454555-G-A.
Other names: c.1474G>A, p.Val492Ile (NM_001291858.2); short protein forms V492I.
Identifiers: ClinVar variation 198439 (VCV000198439.22), dbSNP rs61740877, ClinGen allele CA203441.

ClinVar aggregate classification (germline): Benign/Likely benign. Review status: criteria provided, multiple submitters, no conflicts (2 of 4 stars). 4 submissions from 4 submitters: Benign (2); Likely benign (2). Last evaluated 2026-01-16.

Allele frequency attached by ClinVar (database versions not stated): gnomAD exomes 0.00021 and 0.00057; ExAC 0.00072; gnomAD 0.00221 and 0.00235; 1000 Genomes Project 30x 0.00234; TOPMed 0.00252; 1000 Genomes Project 0.00260; ESP Exome Variant Server 0.00277.
gnomAD v4.1: 660 of 1,614,068 alleles (0.041%); highest among the groups gnomAD compares: African/African-American, 0.75%; 7 homozygotes.

Submissions (4):

Labcorp Genetics (formerly Invitae), Labcorp
Classification: Benign. Last evaluated: 2026-01-16. Review status: criteria provided, single submitter. Criteria: Invitae Variant Classification Sherloc (09022015). Collection method: clinical testing. Allele origin: germline.

CeGaT Center for Human Genetics Tuebingen
Classification: Likely benign. Last evaluated: 2025-07-01. Review status: criteria provided, single submitter. Criteria: CeGaT Center For Human Genetics Tuebingen Variant Classification Criteria Version 2. Collection method: clinical testing. Allele origin: germline. Affected: yes. Observed: 1 variant allele.
Comment: IGF1R: BP4, BS2

Women's Health and Genetics/Laboratory Corporation of America, LabCorp
Classification: Likely benign. Last evaluated: 2025-06-02. Review status: criteria provided, single submitter. Criteria: LabCorp Variant Classification Summary - May 2015. Collection method: clinical testing. Allele origin: germline.
Comment: Variant summary: IGF1R c.1474G>A (p.Val492Ile) results in a conservative amino acid change in the encoded protein sequence. Algorithms developed to predict the effect of missense changes on protein structure and function are either unavailable or do not agree on the potential impact of this missense change. The variant allele was found at a frequency of 0.00057 in 251440 control chromosomes, predominantly at a frequency of 0.0075 within the African or African-American subpopulation in the gnomAD database. The observed variant frequency within African or African-American control individuals in the gnomAD database exceeds the estimated maximal expected allele frequency for a pathogenic variant in IGF1R causing Growth Delay Due To Insulin-Like Growth Factor I Resistance phenotype. To our knowledge, no occurrence of c.1474G>A in individuals affected with Growth Delay Due To Insulin-Like Growth Factor I Resistance and no experimental evidence demonstrating its impact on protein function have been reported. ClinVar contains an entry for this variant (Variation ID: 198439). Based on the evidence outlined above, the variant was classified as likely benign.

Eurofins Ntd Llc (ga)
Classification: Benign. Last evaluated: 2014-10-30. Review status: criteria provided, single submitter. Criteria: EGL Classification Definitions 2015. Collection method: clinical testing. Allele origin: germline. Observed: 1 variant allele, 1 heterozygote.